The following is an entry in ClinVar:

NM_000312.4(PROC):c.329C>T (p.Thr110Met)

Gene: PROC (protein C, inactivator of coagulation factors Va and VIIIa; plus strand). Cytogenetic location: 2q14.3.
Variant type: single nucleotide variant.
Coding change: c.329C>T on transcript NM_000312.4 (MANE Select); coding-DNA position 329, C replaced by T.
Protein change: p.Thr110Met; replaces threonine 110 with methionine.
Molecular consequence: missense variant.
Genome position (GRCh38, 1-based): chr2:127,423,100, C>T. VCF-style: chr2-127423100-C-T. GRCh37 (hg19) VCF-style: chr2-128180676-C-T.
Other names: c.512C>T, p.Thr171Met (NM_001375602.1); c.392C>T, p.Thr131Met (NM_001375603.1, NM_001375604.1); c.329C>T, p.Thr110Met (NM_001375605.1, NM_001375608.1, NM_001375611.1 and 1 more transcripts); c.484C>T, p.Arg162Cys (NM_001375606.1); c.413C>T, p.Thr138Met (NM_001375607.1); c.305C>T, p.Thr102Met (NM_001375609.1); c.323C>T, p.Thr108Met (NM_001375610.1); short protein forms R162C, T102M, T108M, T110M, T131M, T138M, T171M.
Identifiers: ClinVar variation 3253048 (VCV003253048.1), dbSNP rs370147557.
Genomic context (GRCh38, chr2:127,423,100, plus strand): 5'-ACCAGTGCTTGGTCTTGCCCTTGGAGCACCCGTGCGCCAGCCTGTGCTGCGGGCACGGCA[C>T]GTGCATCGACGGCATCGGCAGCTTCAGCTGCGACTGCCGCAGCGGCTGGGAGGGCCGCTT-3'
Protein context (NP_000303.1, residues 100-120): PCASLCCGHG[Thr110Met]CIDGIGSFSC

ClinVar aggregate classification (germline): Uncertain significance (1 of 4 stars; one submission).

Submission:

GeneDx
Classification: Uncertain significance. Last evaluated: 2023-10-06. Review status: criteria provided, single submitter. Criteria: GeneDx Variant Classification Process June 2021. Collection method: clinical testing. Allele origin: germline. Affected: yes.
Comment: Not observed at significant frequency in large population cohorts (gnomAD); In silico analysis supports that this missense variant has a deleterious effect on protein structure/function; Has not been previously published as pathogenic or benign to our knowledge